The following is an entry in ClinVar:

ClinVar aggregate classification (germline): Conflicting classifications of pathogenicity. Review status: criteria provided, conflicting classifications (1 of 4 stars). 8 submissions from 8 submitters: Uncertain significance (4); Likely benign (3). 1 of the submissions does not count toward it. Last evaluated 2026-02-02.

Conditions:
Inborn genetic diseases. Identifiers: MedGen C0950123, MeSH D030342.
Thyroid dyshormonogenesis 6 (TDH6). Also called: HYPOTHYROIDISM, CONGENITAL, DUE TO DYSHORMONOGENESIS, 6; Genetic transient congenital hypothyroidism; THYROID HORMONOGENESIS, GENETIC DEFECT IN, 6. Identifiers: Orphanet 226316, Orphanet 95716, MedGen C1846632, MONDO:0011792, OMIM 607200.
DUOX2-related disorder. Also called: DUOX2-related condition.

Allele frequency attached by ClinVar (database versions not stated): 1000 Genomes Project 0.00100; 1000 Genomes Project 30x 0.00156; TOPMed 0.00283; ESP Exome Variant Server 0.00362.
gnomAD v4.1: 6,122 of 1,614,168 alleles (0.38%); highest among the groups gnomAD compares: Non-Finnish European, 0.48%; 15 homozygotes.

Submissions (8):

Labcorp Genetics (formerly Invitae), Labcorp
Classification: Likely benign. Last evaluated: 2026-02-02. Review status: criteria provided, single submitter. Criteria: Invitae Variant Classification Sherloc (09022015). Collection method: clinical testing. Allele origin: germline.

CeGaT Center for Human Genetics Tuebingen
Classification: Likely benign. Last evaluated: 2024-10-01. Review status: criteria provided, single submitter. Criteria: CeGaT Center For Human Genetics Tuebingen Variant Classification Criteria Version 2. Collection method: clinical testing. Allele origin: germline. Affected: yes. Observed: 1 variant allele.
Comment: DUOX2: BP4, BS2

Women's Health and Genetics/Laboratory Corporation of America, LabCorp
Classification: Uncertain significance. Last evaluated: 2024-01-23. Review status: criteria provided, single submitter. Criteria: LabCorp Variant Classification Summary - May 2015. Collection method: clinical testing. Allele origin: germline.
Comment: Variant summary: DUOX2 c.3830C>G (p.Ala1277Gly) results in a non-conservative amino acid change located in the FAD-binding 8 (IPR013112) of the encoded protein sequence. Four of five in-silico tools predict a damaging effect of the variant on protein function. The variant allele was found at a frequency of 0.0038 in 1614168 control chromosomes, predominantly at a frequency of 0.0048 within the Non-Finnish European subpopulation in the gnomAD database, including 14 homozygotes (gnomAD v4). c.3830C>G has been reported in the literature in individuals affected with Congenital hypothyroidism and risk of inflammatory bowel disease, without strong evidence for causality (examples, Grasberger_2021, de Filippis_2017). These report(s) do not provide unequivocal conclusions about association of the variant with Thyroid Dyshormonogenesis 6. To our knowledge, no experimental evidence demonstrating an impact on protein function has been reported. The following publications have been ascertained in the context of this evaluation (PMID: 33651715, 28444304). ClinVar contains an entry for this variant (Variation ID: 316143). Based on the evidence outlined above, the variant was classified as VUS-possibly benign.

GeneDx
Classification: Uncertain significance. Last evaluated: 2022-11-28. Review status: criteria provided, single submitter. Criteria: GeneDx Variant Classification Process June 2021. Collection method: clinical testing. Allele origin: germline. Affected: yes.
Comment: Identified in a sample of patients with congenital hypothyroidism in the published literature (de Filippis et al., 2017), but no specific information was provided about the patient(s) with this variant or about other potential variants in gene(s) that could explain the phenotype in the patient(s); In silico analysis supports that this missense variant has a deleterious effect on protein structure/function; This variant is associated with the following publications: (PMID: 33651715, 28444304)

Ambry Genetics
Classification: Likely benign for Inborn genetic diseases. Last evaluated: 2022-03-07. Review status: criteria provided, single submitter. Criteria: Ambry Variant Classification Scheme 2023. Collection method: clinical testing. Allele origin: germline.

Revvity Omics, Revvity
Classification: Uncertain significance for Thyroid dyshormonogenesis 6. Last evaluated: 2021-08-11. Review status: criteria provided, single submitter. Criteria: ACMG Guidelines, 2015. Collection method: clinical testing. Allele origin: germline.

Illumina Laboratory Services, Illumina
Classification: Uncertain significance for Thyroid dyshormonogenesis 6. Last evaluated: 2018-01-12. Review status: criteria provided, single submitter. Criteria: ICSL Variant Classification Criteria 13 December 2019. Collection method: clinical testing. Allele origin: germline.

PreventionGenetics, part of Exact Sciences
Classification: Likely benign for DUOX2-related condition. Last evaluated: 2022-01-18. Review status: no assertion criteria provided. Collection method: clinical testing. Allele origin: germline. Not counted in ClinVar's aggregate classification.
Comment: This variant is classified as likely benign based on ACMG/AMP sequence variant interpretation guidelines (Richards et al. 2015 PMID: 25741868, with internal and published modifications).

Literature cited by the submitters: PubMed 28444304 (cited by Women's Health and Genetics/Laboratory Corporation of America, LabCorp); PubMed 33651715 (cited by Women's Health and Genetics/Laboratory Corporation of America, LabCorp).

NM_001363711.2(DUOX2):c.3830C>G (p.Ala1277Gly)

Gene: DUOX2 (dual oxidase 2; minus strand). Cytogenetic location: 15q21.1.
Variant type: single nucleotide variant.
Coding change: c.3830C>G on transcript NM_001363711.2 (MANE Select); coding-DNA position 3830, C replaced by G.
Protein change: p.Ala1277Gly; replaces alanine 1277 with glycine.
Molecular consequence: missense variant.
Genome position (GRCh38, 1-based): chr15:45,097,255, G>C on the plus strand (C>G on the coding strand, the complement: DUOX2 is on the minus strand). VCF-style: chr15-45097255-G-C. GRCh37 (hg19) VCF-style: chr15-45389453-G-C.
Other names: c.3830C>G, p.Ala1277Gly (NM_014080.5); short protein forms A1277G.
Identifiers: ClinVar variation 316143 (VCV000316143.39), dbSNP rs143471358, ClinGen allele CA7537720.